The following is an entry in ClinVar:

NM_007294.4(BRCA1):c.213-10T>C

Gene: BRCA1 (BRCA1 DNA repair associated; minus strand). Cytogenetic location: 17q21.31.
Variant type: single nucleotide variant.
Coding change: c.213-10T>C on transcript NM_007294.4 (MANE Select); 10 bases into the intron before coding-DNA position 213, T replaced by C.
Molecular consequence: intron variant.
Genome position (GRCh38, 1-based): chr17:43,104,966, A>G on the plus strand (T>C on the coding strand, the complement: BRCA1 is on the minus strand). VCF-style: chr17-43104966-A-G. GRCh37 (hg19) VCF-style: chr17-41256983-A-G.
Other names: c.72-10T>C (NM_001408458.1, NM_001407931.1, NM_001407747.1 and 99 more transcripts); c.-218-10106T>C (NM_001407967.1, NM_001407966.1); c.-169-10T>C (NM_001407959.1, NM_001407962.1, NM_001408512.1 and 4 more transcripts); c.3-10T>C (NM_001407885.1, NM_001407886.1, NM_001407898.1 and 58 more transcripts); c.213-10T>C (NM_001407686.1, NM_001408397.1, NM_001407632.1 and 167 more transcripts); c.81-10T>C (NM_001408451.1); c.135-10T>C (NM_001408475.1, NM_001407875.1, NM_001407659.1 and 21 more transcripts).
Identifiers: ClinVar variation 867959 (VCV000867959.3), dbSNP rs2054700708, ClinGen allele CA916080861.

Conditions:
Breast-ovarian cancer, familial, susceptibility to, 1 (BROVCA1). Also called: BRCA1 Hereditary Breast and Ovarian Cancer; OVARIAN CANCER, SUSCEPTIBILITY TO. Identifiers: Orphanet 145, MedGen C2676676, MONDO:0011450, OMIM 604370. Disease mechanism: loss of function.

Submission:

Brotman Baty Institute, University of Washington
No classification provided (evidence only). Condition: Breast-ovarian cancer, familial 1. Review status: no classification provided. Collection method: in vitro. Allele origin: not applicable. Functional consequence: functionally_normal.
ClinVar note: "not provided" was previously submitted as the classification for the variant. However, the classification appeared to be based only on an observation of functional data so it was converted to no classification on 2025-07-30.